The following is an entry in ClinVar:

ClinVar aggregate classification (germline): Likely pathogenic (1 of 4 stars; one submission).

Submission:

Labcorp Genetics (formerly Invitae), Labcorp
Classification: Likely pathogenic. Last evaluated: 2023-04-03. Review status: criteria provided, single submitter. Criteria: Invitae Variant Classification Sherloc (09022015). Collection method: clinical testing. Allele origin: germline.
Comment: In summary, the currently available evidence indicates that the variant is pathogenic, but additional data are needed to prove that conclusively. Therefore, this variant has been classified as Likely Pathogenic. This sequence change replaces alanine, which is neutral and non-polar, with glutamic acid, which is acidic and polar, at codon 60 of the ABCA4 protein (p.Ala60Glu). This variant is not present in population databases (gnomAD no frequency). This missense change has been observed in individual(s) with Stargardt disease (PMID: 10958763). Advanced modeling of protein sequence and biophysical properties (such as structural, functional, and spatial information, amino acid conservation, physicochemical variation, residue mobility, and thermodynamic stability) performed at Invitae indicates that this missense variant is expected to disrupt ABCA4 protein function. This variant disrupts the p.Ala60 amino acid residue in ABCA4. Other variant(s) that disrupt this residue have been determined to be pathogenic (PMID: 10958763, 28118664, 28559085, 33301772). This suggests that this residue is clinically significant, and that variants that disrupt this residue are likely to be disease-causing.

Literature cited by the submitters: PubMed 10958763; PubMed 28118664; PubMed 28559085; PubMed 33301772.

NM_000350.3(ABCA4):c.179C>A (p.Ala60Glu)

Gene: ABCA4 (ATP binding cassette subfamily A member 4; minus strand). Cytogenetic location: 1p22.1.
Variant type: single nucleotide variant.
Coding change: c.179C>A on transcript NM_000350.3 (MANE Select); coding-DNA position 179, C replaced by A.
Protein change: p.Ala60Glu; replaces alanine 60 with glutamic acid.
Molecular consequence: missense variant.
Genome position (GRCh38, 1-based): chr1:94,111,561, G>T on the plus strand (C>A on the coding strand, the complement: ABCA4 is on the minus strand). VCF-style: chr1-94111561-G-T. GRCh37 (hg19) VCF-style: chr1-94577117-G-T.
Other names: c.179C>A, p.Ala60Glu (NM_001425324.1); short protein forms A60E.
Identifiers: ClinVar variation 2851652 (VCV002851652.3), dbSNP rs55732384, ClinGen allele CA341285606.
Genomic context (GRCh38, chr1:94,111,561, plus strand): 5'-GGATTGTTCACATTGCAGAAGATCCCCTGGAGCCACGGCAGCATTCCTGCTGAGGGCATC[G>T]CCTTGTTGGGGAAATGGCCTTTAAAACAGAAAATGAGGACAAGACGGGATTAGTCATGGA-3'
Protein context (NP_000341.2, residues 50-70): SHHECHFPNK[Ala60Glu]MPSAGMLPWL